The following is an entry in ClinVar:

NM_015404.4(WHRN):c.1291C>T (p.Arg431Trp)

Gene: WHRN (whirlin; minus strand). Cytogenetic location: 9q32.
Variant type: single nucleotide variant.
Coding change: c.1291C>T on transcript NM_015404.4 (MANE Select); coding-DNA position 1291, C replaced by T.
Protein change: p.Arg431Trp; replaces arginine 431 with tryptophan.
Molecular consequence: missense variant.
Genome position (GRCh38, 1-based): chr9:114,424,459, G>A on the plus strand (C>T on the coding strand, the complement: WHRN is on the minus strand). VCF-style: chr9-114424459-G-A. GRCh37 (hg19) VCF-style: chr9-117186739-G-A.
Other names: c.142C>T, p.Arg48Trp (NM_001083885.3); c.1291C>T, p.Arg431Trp (NM_001173425.2); c.238C>T, p.Arg80Trp (NM_001346890.1); short protein forms R431W, R48W, R80W.
Identifiers: ClinVar variation 45646 (VCV000045646.5), dbSNP rs397517256, ClinGen allele CA136866.
Genomic context (GRCh38, chr9:114,424,459, plus strand): 5'-CACGGTACTCATCCAGGTAGTAGGCCATGGTGGCGTGTTCCTGCTCGTTCAGCAGGTGCC[G>A]AGCCTGCTCCTCCAGCAGCACTCGTGTCTGGTTCCCCAGGCTGCTCAGGGTCACCTGGGA-3'
Protein context (NP_056219.3, residues 421-441): QTRVLLEEQA[Arg431Trp]HLLNEQEHAT

ClinVar aggregate classification (germline): Uncertain significance (1 of 4 stars; one submission).

Allele frequency attached by ClinVar (database versions not stated): ExAC 0.00001; gnomAD 0.00001 and 0.00002; gnomAD exomes 0.00001; TOPMed 0.00002.
gnomAD v4.1: 12 of 1,613,702 alleles (0.00074%); highest among the groups gnomAD compares: South Asian, 0.0033%; no homozygotes.

Submission:

Laboratory for Molecular Medicine, Mass General Brigham Personalized Medicine
Classification: Uncertain significance. Last evaluated: 2012-05-29. Review status: criteria provided, single submitter. Criteria: LMM Criteria. Collection method: clinical testing. Allele origin: germline. Observed: 1 variant allele.
Comment: The Arg431Trp variant (DFNB31) has not been reported in the literature nor previ ously identified by our laboratory. Computational analyses (biochemical amino ac id properties, conservation, AlignGVGD, PolyPhen2, and SIFT) suggest that the Ar g431Trp variant may impact the protein, though this information is not predictiv e enough to determine pathogenicity. In summary, the clinical significance of th is variant cannot be determined with certainty.